The following is an entry in ClinVar:

ClinVar aggregate classification (germline): Likely pathogenic. Review status: reviewed by expert panel (3 of 4 stars). 6 submissions from 6 submitters: Likely pathogenic (1). 5 of the submissions do not count toward it. Last evaluated 2024-04-15.

Conditions:
Very long chain acyl-CoA dehydrogenase deficiency (ACADVLD). Also called: VLCAD Deficiency; Very Long-Chain Acyl-Coenzyme A Dehydrogenase Deficiency. Identifiers: Orphanet 26793, MedGen C3887523, MONDO:0008723, OMIM 201475.

Allele frequency attached by ClinVar (database versions not stated): gnomAD 0.00001; ESP Exome Variant Server 0.00008.
gnomAD v4.1: 2 of 1,614,092 alleles (0.00012%); highest among the groups gnomAD compares: African/African-American, 0.0027%; no homozygotes.

Submissions (6):

ClinGen ACADVL Variant Curation Expert Panel, ClinGen
Classification: Likely pathogenic for Very long chain acyl-CoA dehydrogenase deficiency. Last evaluated: 2024-04-15. Review status: reviewed by expert panel. Criteria: clingen acadvl acmg specifications v1. Collection method: curation. Allele origin: germline. Inheritance: Autosomal recessive inheritance.
Comment: The NM_000018.4 c.637G>C (p.Ala213Pro) in ACADVL is a missense variant predicted to cause substitution of alanine by proline at amino acid 213 (p.Ala213Pro). The highest population minor allele frequency in gnomAD V2.1.1 is 0.00018 in African/African American population, which is lower than the ClinGen ACADVL Variant Curation Expert Panel threshold (<0.001) for PM2_Supporting, meeting this criterion (PM2_Supporting). This variant has been detected in homozygous fashion in an individual affected with very long chain acyl CoA dehydrogenase (VLCAD) deficiency, who displayed markedly reduced enzyme mRNA levels and activity (< 10 % of wildtype), which is highly specific for VLCAD deficiency (PP4_Moderate, PM3 score = 0.5, PM3_Supporting, PMID: 10077518). Another missense variant c.637G>A (p.Ala213Thr) in the same codon has been classified as likely pathogenic for very long chain acyl CoA dehydrogenase (VLCAD) deficiency by the ClinGen ACADVL Variant Curation Expert Panel (PM5_Supporting). The computational predictor REVEL gives a score of 0.946, which is above the threshold of 0.75, evidence that correlates with impact to ACADVL function (PP3). In summary, this variant meets the criteria to be classified as likely pathogenic for autosomal recessive very long chain acyl-CoA dehydrogenase (VLCAD) deficiency based on the ACMG/AMP criteria applied, as specified by the ClinGen ACADVL Variant Curation Expert Panel: PM3_Supporting, PM5_Supporting, PP4_Moderate, PM2_Supporting, PP3 (ACADVL VCEP specifications version 1; approved November 9, 2021).

Labcorp Genetics (formerly Invitae), Labcorp
Classification: Likely pathogenic for Very long chain acyl-CoA dehydrogenase deficiency. Last evaluated: 2025-04-02. Review status: criteria provided, single submitter. Criteria: Invitae Variant Classification Sherloc (09022015). Collection method: clinical testing. Allele origin: germline. Not counted in ClinVar's aggregate classification.
Comment: This sequence change replaces alanine, which is neutral and non-polar, with proline, which is neutral and non-polar, at codon 213 of the ACADVL protein (p.Ala213Pro). This variant is present in population databases (rs140629318, gnomAD 0.01%). This missense change has been observed in individual(s) with very long chain acyl-CoA dehydrogenase deficiency (PMID: 10077518; internal data). This variant is also known as A173P. ClinVar contains an entry for this variant (Variation ID: 166643). Invitae Evidence Modeling of protein sequence and biophysical properties (such as structural, functional, and spatial information, amino acid conservation, physicochemical variation, residue mobility, and thermodynamic stability) indicates that this missense variant is expected to disrupt ACADVL protein function with a positive predictive value of 80%. This variant disrupts the p.Ala213 amino acid residue in ACADVL. Other variant(s) that disrupt this residue have been determined to be pathogenic (PMID: 12213615, 24801231). This suggests that this residue is clinically significant, and that variants that disrupt this residue are likely to be disease-causing. In summary, the currently available evidence indicates that the variant is pathogenic, but additional data are needed to prove that conclusively. Therefore, this variant has been classified as Likely Pathogenic.

Fulgent Genetics
Classification: Likely pathogenic for Very long chain acyl-CoA dehydrogenase deficiency. Last evaluated: 2024-02-05. Review status: criteria provided, single submitter. Criteria: ACMG Guidelines, 2015. Collection method: clinical testing. Allele origin: germline. Not counted in ClinVar's aggregate classification.

Baylor Genetics
Classification: Likely pathogenic for Very long chain acyl-CoA dehydrogenase deficiency. Last evaluated: 2023-11-07. Review status: criteria provided, single submitter. Criteria: ACMG Guidelines, 2015. Collection method: clinical testing. Allele origin: unknown. Not counted in ClinVar's aggregate classification.

Wong Mito Lab, Molecular and Human Genetics, Baylor College of Medicine
Classification: Pathogenic for Very long chain acyl-CoA dehydrogenase deficiency. Last evaluated: 2019-11-01. Review status: criteria provided, single submitter. Criteria: ACMG Guidelines, 2015. Collection method: clinical testing. Allele origin: germline. Not counted in ClinVar's aggregate classification.
Comment: The NM_000018.3:c.637G>C (NP_000009.1:p.Ala213Pro) [GRCH38: NC_000017.11:g.7221966G>C] variant in ACADVL gene is interpretated to be Pathogenic based on ACMG guidelines (PMID: 25741868). This variant has been reported in PMID: 10077518. This variant meets the following evidence codes reported in the ACMG guidelines: PS1, PS3

Eurofins Ntd Llc (ga)
Classification: Uncertain significance. Last evaluated: 2015-06-26. Review status: criteria provided, single submitter. Criteria: EGL Classification Definitions 2015. Collection method: clinical testing. Allele origin: germline. Observed: 3 variant alleles, 3 heterozygotes. Not counted in ClinVar's aggregate classification.

Literature cited by the submitters: PubMed 10077518 (cited by Labcorp Genetics (formerly Invitae), Labcorp and Wong Mito Lab, Molecular and Human Genetics, Baylor College of Medicine); PubMed 12213615 (cited by Labcorp Genetics (formerly Invitae), Labcorp); PubMed 24801231 (cited by Labcorp Genetics (formerly Invitae), Labcorp).

NM_000018.4(ACADVL):c.637G>C (p.Ala213Pro)

Gene: ACADVL (acyl-CoA dehydrogenase very long chain; plus strand). Cytogenetic location: 17p13.1.
Variant type: single nucleotide variant.
Coding change: c.637G>C on transcript NM_000018.4 (MANE Select); coding-DNA position 637, G replaced by C.
Protein change: p.Ala213Pro; replaces alanine 213 with proline.
Molecular consequence: missense variant.
Genome position (GRCh38, 1-based): chr17:7,221,966, G>C. VCF-style: chr17-7221966-G-C. GRCh37 (hg19) VCF-style: chr17-7125285-G-C.
Other names: NM_000018.4(ACADVL):c.637G>C; c.571G>C, p.Ala191Pro (NM_001033859.3); c.706G>C, p.Ala236Pro (NM_001270447.2); c.409G>C, p.Ala137Pro (NM_001270448.2); short protein forms A213P, A236P, A137P, A191P.
Identifiers: ClinVar variation 166643 (VCV000166643.20), dbSNP rs140629318, ClinGen allele CA233431.